The following is an entry in ClinVar:

ClinVar aggregate classification (germline): Uncertain significance (1 of 4 stars; one submission).

Conditions:
Familial encephalopathy with neuroserpin inclusion bodies. Also called: ENCEPHALOPATHY, FAMILIAL, WITH COLLINS BODIES. Identifiers: Orphanet 85110, MedGen C1858680, MONDO:0011412, OMIM 604218.

Allele frequency attached by ClinVar (database versions not stated): gnomAD exomes below 0.00001; TOPMed below 0.00001; gnomAD 0.00001; ExAC 0.00002.
gnomAD v4.1: 3 of 1,607,318 alleles (0.00019%); highest among the groups gnomAD compares: African/African-American, 0.0027%; no homozygotes.

Submission:

Labcorp Genetics (formerly Invitae), Labcorp
Classification: Uncertain significance for Familial encephalopathy with neuroserpin inclusion bodies. Last evaluated: 2023-04-24. Review status: criteria provided, single submitter. Criteria: Invitae Variant Classification Sherloc (09022015). Collection method: clinical testing. Allele origin: germline.
Comment: This sequence change replaces glycine, which is neutral and non-polar, with aspartic acid, which is acidic and polar, at codon 386 of the SERPINI1 protein (p.Gly386Asp). This variant is present in population databases (rs772353205, gnomAD 0.008%). This variant has not been reported in the literature in individuals affected with SERPINI1-related conditions. An algorithm developed to predict the effect of missense changes on protein structure and function (PolyPhen-2) suggests that this variant is likely to be disruptive. In summary, the available evidence is currently insufficient to determine the role of this variant in disease. Therefore, it has been classified as a Variant of Uncertain Significance.

NM_001122752.2(SERPINI1):c.1157G>A (p.Gly386Asp)

Gene: SERPINI1 (serpin family I member 1; plus strand). Cytogenetic location: 3q26.1.
Variant type: single nucleotide variant.
Coding change: c.1157G>A on transcript NM_001122752.2 (MANE Select); coding-DNA position 1157, G replaced by A.
Protein change: p.Gly386Asp; replaces glycine 386 with aspartic acid.
Molecular consequence: missense variant.
Genome position (GRCh38, 1-based): chr3:167,825,247, G>A. VCF-style: chr3-167825247-G-A. GRCh37 (hg19) VCF-style: chr3-167543035-G-A.
Other names: c.1157G>A, p.Gly386Asp (NM_005025.5); short protein forms G386D.
Identifiers: ClinVar variation 2836106 (VCV002836106.3), dbSNP rs772353205, ClinGen allele CA2695010.